The following is an entry in ClinVar:

NM_000089.4(COL1A2):c.2299_2304delinsTTGCCCCAAATA (p.Pro767_Asn768delinsLeuProGlnIle)

Gene: COL1A2 (collagen type I alpha 2 chain; plus strand). Cytogenetic location: 7q21.3.
Variant type: Indel.
Coding change: c.2299_2304delinsTTGCCCCAAATA on transcript NM_000089.4 (MANE Select); coding-DNA positions 2299 to 2304, CCAAAT replaced by TTGCCCCAAATA.
Protein change: p.Pro767_Asn768delinsLeuProGlnIle.
Molecular consequence: inframe indel.
Genome position (GRCh38, 1-based): chr7:94,421,012-94,421,017, CCAAAT replaced by TTGCCCCAAATA. VCF-style: chr7-94421012-CCAAAT-TTGCCCCAAATA. GRCh37 (hg19) VCF-style: chr7-94050324-CCAAAT-TTGCCCCAAATA.
Identifiers: ClinVar variation 4075350 (VCV004075350.1).
Genomic context (GRCh38, chr7:94,421,012, plus strand): 5'-AGTAGCATTTACAAGGGTTTGTTTGTGATTTGACTCCATCTTTTTGTTTGCATTTAGGGT[CCAAAT>TTGCCCCAAATA]GGTCCCCCCGGTCCTGCTGGAAGTCGTGGTGATGGAGGCCCCCCTGTGAGTATTTACAAT-3'

ClinVar aggregate classification (germline): Pathogenic (1 of 4 stars; one submission).

Conditions:
Osteogenesis imperfecta type III (OI3). Also called: Progressively Deforming Osteogenesis Imperfecta; Osteogenesis imperfecta type 3; OI type 3; Osteogenesis imperfecta, progressively deforming with normal sclerae; OI type III. Identifiers: Orphanet 216812, Orphanet 666, MedGen C0268362, MONDO:0009804, OMIM 259420.

Submission:

Clinical Biomedical Laboratory, Shriners Hospital For Children - Canada
Classification: Pathogenic for Osteogenesis imperfecta type III. Last evaluated: 2025-07-16. Review status: criteria provided, single submitter. Criteria: ACMG Guidelines, 2015. Collection method: clinical testing. Allele origin: germline. Affected: yes.
Comment: The variant results in an in-frame deletion of two amino acids and insertion of four amino acids, leading to the net addition of two amino acids to the triple helical domain of the collagen type I alpha 2 chain. The addition of two amino acids will lead to a ‘register shift’ in the formation of the collagen type I triple helix. Register shifts are a known cause of severe osteogenesis imperfecta, as they disrupt the formation of the collagen type I triple helix. The variant is not listed in the gnomAD v.2.1.1 database.